The following is an entry in ClinVar:

ClinVar aggregate classification (germline): Pathogenic (1 of 4 stars; one submission).

Conditions:
Spastic paraplegia 79A, autosomal dominant, with ataxia (SPG79A). Also called: Spastic paraplegia 79A, autosomal dominant. Identifiers: MedGen C5774300, MONDO:0859363, OMIM 620221.

Submission:

Institute of Medical Genetics and Applied Genomics, University Hospital Tübingen
Classification: Pathogenic for Spastic paraplegia 79A, autosomal dominant, with ataxia. Last evaluated: 2023-09-08. Review status: criteria provided, single submitter. Criteria: ACMG Guidelines, 2015. Collection method: clinical testing. Allele origin: germline. Inheritance: Autosomal dominant inheritance. Affected: yes.

NM_004181.5(UCHL1):c.260_261dup (p.Asn88fs)

Genes: UCHL1 (ubiquitin C-terminal hydrolase L1; plus strand), UCHL1-DT (UCHL1 divergent transcript; minus strand). Cytogenetic location: 4p13.
Variant type: Duplication.
Coding change: c.260_261dup on transcript NM_004181.5 (MANE Select); coding-DNA positions 260 to 261, 2 bases duplicated (GG; older notation c.260_261dupGG).
Protein change: p.Asn88fs; shifts the reading frame from asparagine 88.
Molecular consequence: frameshift variant.
Genome position (GRCh38, 1-based): chr4:41,260,732-41,260,733, GG duplicated; duplicating any 2 consecutive bases within chr4:41,260,731-41,260,733 gives the same sequence; the c. name uses the placement nearest the transcript's 3' end. VCF-style (leftmost placement, unchanged base first): chr4-41260730-T-TGG. GRCh37 (hg19) VCF-style: chr4-41262747-T-TGG.
Other names: short protein forms N88fs.
Identifiers: ClinVar variation 2578416 (VCV002578416.1), dbSNP rs2551922518, ClinGen allele CA2580617616.